The following is an entry in ClinVar:

NM_018942.3(HMX1):c.1030A>G (p.Met344Val)

Gene: HMX1 (H6 family homeobox 1; minus strand). Cytogenetic location: 4p16.1.
Variant type: single nucleotide variant.
Coding change: c.1030A>G on transcript NM_018942.3 (MANE Select); coding-DNA position 1030, A replaced by G.
Protein change: p.Met344Val; replaces methionine 344 with valine.
Molecular consequence: missense variant. On other transcripts: intron variant (1).
Genome position (GRCh38, 1-based): chr4:8,867,710, T>C on the plus strand (A>G on the coding strand, the complement: HMX1 is on the minus strand). VCF-style: chr4-8867710-T-C. GRCh37 (hg19) VCF-style: chr4-8869436-T-C.
Other names: c.394+3511A>G (NM_001306142.2); short protein forms M344V.
Identifiers: ClinVar variation 860721 (VCV000860721.9), dbSNP rs1722051296, ClinGen allele CA356277172.
Genomic context (GRCh38, chr4:8,867,710, plus strand): 5'-ACAGGTCCACAGGGTCGTGGGGAGAGGGCCCGGCAGGCGGGGCTCACACCAGGCCAGGCA[T>C]CTGCGCCCGCAGAAAGGGCACGGAGGCGGCGGCCGGGAAGGCGGCCAGCGGGTAGGCGAG-3'
Protein context (NP_061815.2, residues 334-348): AASVPFLRAQ[Met344Val]PGLV

ClinVar aggregate classification (germline): Uncertain significance (1 of 4 stars; one submission).

Submission:

Labcorp Genetics (formerly Invitae), Labcorp
Classification: Uncertain significance. Last evaluated: 2020-11-24. Review status: criteria provided, single submitter. Criteria: Invitae Variant Classification Sherloc (09022015). Collection method: clinical testing. Allele origin: germline.
Comment: In summary, the available evidence is currently insufficient to determine the role of this variant in disease. Therefore, it has been classified as a Variant of Uncertain Significance. Algorithms developed to predict the effect of sequence changes on RNA splicing suggest that this variant may create or strengthen a splice site, but this prediction has not been confirmed by published transcriptional studies. Algorithms developed to predict the effect of missense changes on protein structure and function (SIFT, PolyPhen-2, Align-GVGD) all suggest that this variant is likely to be tolerated, but these predictions have not been confirmed by published functional studies and their clinical significance is uncertain. This variant has not been reported in the literature in individuals with HMX1-related conditions. The frequency data for this variant in the population databases is considered unreliable, as metrics indicate insufficient coverage at this position in the ExAC database. This sequence change replaces methionine with valine at codon 344 of the HMX1 protein (p.Met344Val). The methionine residue is weakly conserved and there is a small physicochemical difference between methionine and valine.